The following is an entry in ClinVar:

NM_001128178.3(NPHP1):c.739del (p.His247fs)

Gene: NPHP1 (nephrocystin 1; minus strand). Cytogenetic location: 2q13.
Variant type: Deletion.
Coding change: c.739del on transcript NM_001128178.3 (MANE Select); coding-DNA position 739, one base deleted (C; older notation c.739delC).
Protein change: p.His247fs; shifts the reading frame from histidine 247.
Molecular consequence: frameshift variant.
Genome position (GRCh38, 1-based): chr2:110,164,720, G deleted on the plus strand (C on the coding strand, the reverse complement: NPHP1 is on the minus strand); the first of 4 consecutive G bases (chr2:110,164,720-110,164,723); deleting any one gives the same sequence. VCF-style (leftmost placement, unchanged base first): chr2-110164719-TG-T. GRCh37 (hg19) VCF-style: chr2-110922296-TG-T.
Other names: c.739del, p.His247fs (NM_000272.5, NM_001374256.1, NM_001374257.1 and 1 more transcripts); c.553del, p.His185fs (NM_001128179.3); short protein forms H247fs, H185fs.
Identifiers: ClinVar variation 1943039 (VCV001943039.5), dbSNP rs2467370218, ClinGen allele CA2580063742.

ClinVar aggregate classification (germline): Pathogenic (1 of 4 stars; one submission).

Conditions:
Nephronophthisis. Also called: Juvenile Nephronophthisis. Identifiers: Orphanet 655, MedGen C0687120, MONDO:0019005, HP:0000090.

Submission:

Labcorp Genetics (formerly Invitae), Labcorp
Classification: Pathogenic for Nephronophthisis. Last evaluated: 2022-04-16. Review status: criteria provided, single submitter. Criteria: Invitae Variant Classification Sherloc (09022015). Collection method: clinical testing. Allele origin: germline.
Comment: This variant is not present in population databases (gnomAD no frequency). This premature translational stop signal has been observed in individual(s) with nephronophthisis (PMID: 26673778). For these reasons, this variant has been classified as Pathogenic. This sequence change creates a premature translational stop signal (p.His247Thrfs*26) in the NPHP1 gene. It is expected to result in an absent or disrupted protein product. Loss-of-function variants in NPHP1 are known to be pathogenic (PMID: 23559409).

Literature cited by the submitters: PubMed 26673778; PubMed 23559409.